The following is an entry in ClinVar:

ClinVar aggregate classification (germline): Benign/Likely benign. Review status: criteria provided, multiple submitters, no conflicts (2 of 4 stars). 9 submissions from 9 submitters: Benign (5); Likely benign (2). 2 of the submissions do not count toward it. Last evaluated 2026-08-01.

Conditions:
Primary familial polycythemia due to EPO receptor mutation. Also called: Erythrocytosis, familial, 1; POLYCYTHEMIA, PRIMARY FAMILIAL AND CONGENITAL; Primary Familial Congenital Polycythemia; ERYTHROCYTOSIS, SOMATIC. Identifiers: Orphanet 90042, MedGen C4551637, MONDO:0007572, OMIM 133100.

Allele frequency attached by ClinVar (database versions not stated): gnomAD 0.00627 and 0.00617; 1000 Genomes Project 30x 0.00234; TOPMed 0.00469; ExAC 0.00571; gnomAD exomes 0.00626 and 0.00675; 1000 Genomes Project 0.00220.
gnomAD v4.1: 10,729 of 1,614,018 alleles (0.66%); highest among the groups gnomAD compares: Admixed American, 0.77%; 53 homozygotes.

Submissions (9):

CeGaT Center for Human Genetics Tuebingen
Classification: Likely benign. Last evaluated: 2026-08-01. Review status: criteria provided, single submitter. Criteria: CeGaT Center For Human Genetics Tuebingen Variant Classification Criteria Version 2. Collection method: clinical testing. Allele origin: germline. Affected: yes. Observed: 8 variant alleles.
Comment: EPOR: BP4, BS2

Labcorp Genetics (formerly Invitae), Labcorp
Classification: Benign. Last evaluated: 2025-12-13. Review status: criteria provided, single submitter. Criteria: Invitae Variant Classification Sherloc (09022015). Collection method: clinical testing. Allele origin: germline.

ARUP Laboratories, Molecular Genetics and Genomics, ARUP Laboratories
Classification: Benign for Primary familial polycythemia due to EPO receptor mutation. Last evaluated: 2025-05-29. Review status: criteria provided, single submitter. Criteria: ARUP Molecular Germline Variant Investigation Process 2024. Collection method: clinical testing. Allele origin: germline.

Center for Genomic Medicine, Rigshospitalet, Copenhagen University Hospital
Classification: Likely benign. Last evaluated: 2025-03-04. Review status: criteria provided, single submitter. Criteria: ACMG Guidelines, 2015. Collection method: clinical testing. Allele origin: germline.

Mayo Clinic Laboratories, Mayo Clinic
Classification: Benign. Last evaluated: 2023-11-15. Review status: criteria provided, single submitter. Criteria: ACMG Guidelines, 2015. Collection method: clinical testing. Allele origin: germline. Observed: 4 variant alleles.
Comment: BS1, BS2, BP4

Illumina Laboratory Services, Illumina
Classification: Benign for Primary familial polycythemia due to EPO receptor mutation. Last evaluated: 2018-03-06. Review status: criteria provided, single submitter. Criteria: ICSL Variant Classification Criteria 13 December 2019. Collection method: clinical testing. Allele origin: germline.
Comment: This variant was observed in the ICSL laboratory as part of a predisposition screen in an ostensibly healthy population. It had not been previously curated by ICSL or reported in the Human Gene Mutation Database (HGMD: prior to June 1st, 2018), and was therefore a candidate for classification through an automated scoring system. Utilizing variant allele frequency, disease prevalence and penetrance estimates, and inheritance mode, an automated score was calculated to assess if this variant is too frequent to cause the disease. Based on the score and internal cut-off values, a variant classified as benign is not then subjected to further curation. The score for this variant resulted in a classification of benign for this disease.

Breakthrough Genomics
Classification: Benign. Review status: criteria provided, single submitter. Criteria: ACMG Guidelines, 2015. Collection method: not provided. Allele origin: germline. Inheritance: Autosomal dominant inheritance. Affected: yes.

OMIM
Classification: Affects for RECLASSIFIED - VARIANT OF UNKNOWN SIGNIFICANCE. Last evaluated: 1996-02-15. Review status: no assertion criteria provided. Collection method: literature only. Allele origin: unknown. Not counted in ClinVar's aggregate classification.

GeneReviews
No classification provided. Condition: Primary familial polycythemia due to EPO receptor mutation. Review status: no classification provided. Collection method: literature only. Allele origin: germline. Affected: yes. Not counted in ClinVar's aggregate classification.

Literature cited by the submitters: PubMed 11559951 (cited by Mayo Clinic Laboratories, Mayo Clinic); PubMed 18492694 (cited by Mayo Clinic Laboratories, Mayo Clinic); PubMed 18591620 (cited by Mayo Clinic Laboratories, Mayo Clinic); PubMed 23859443 (cited by Mayo Clinic Laboratories, Mayo Clinic); PubMed 36292571 (cited by Mayo Clinic Laboratories, Mayo Clinic); PubMed 37246471 (cited by Mayo Clinic Laboratories, Mayo Clinic); PubMed 8608241 (cited by Mayo Clinic Laboratories, Mayo Clinic and OMIM); Hamosh, A. Personal Communication. 2018. Baltimore, Md. (cited by OMIM); PubMed 1653276 (cited by OMIM); NCBI Bookshelf NBK395975 (cited by GeneReviews).

NM_000121.4(EPOR):c.1460A>G (p.Asn487Ser)

Gene: EPOR (erythropoietin receptor; minus strand). Cytogenetic location: 19p13.2.
Variant type: single nucleotide variant.
Coding change: c.1460A>G on transcript NM_000121.4 (MANE Select); coding-DNA position 1460, A replaced by G.
Protein change: p.Asn487Ser; replaces asparagine 487 with serine.
Molecular consequence: missense variant. On other transcripts: non-coding transcript variant (1).
Genome position (GRCh38, 1-based): chr19:11,378,051, T>C on the plus strand (A>G on the coding strand, the complement: EPOR is on the minus strand). VCF-style: chr19-11378051-T-C. GRCh37 (hg19) VCF-style: chr19-11488727-T-C.
Other names: short protein forms N487S.
Identifiers: ClinVar variation 16598 (VCV000016598.41), dbSNP rs62638745, ClinGen allele CA126702.
Genomic context (GRCh38, chr19:11,378,051, plus strand): 5'-CAAGCCACATAGCTGGGGGGCAGAGGCTCAGCGGCTGGGATAAGGCTGTTCTCATAAGGG[T>C]TGGAGTAGGGGCCATCGGATAAGCCCCCTTGGGCTCCCTGGGAGTCCCCTGAGCTGTAGT-3'
Protein context (NP_000112.1, residues 477-497): QGGLSDGPYS[Asn487Ser]PYENSLIPAA